The following is an entry in ClinVar:

NM_001387777.1(TNS1):c.2727G>A (p.Leu909=)

Gene: TNS1 (tensin 1; minus strand). Cytogenetic location: 2q35.
Variant type: single nucleotide variant.
Coding change: c.2727G>A on transcript NM_001387777.1 (MANE Select); coding-DNA position 2727, G replaced by A.
Protein change: p.Leu909=; no amino-acid change (leucine 909 retained).
Molecular consequence: synonymous variant.
Genome position (GRCh38, 1-based): chr2:217,847,790, C>T on the plus strand (G>A on the coding strand, the complement: TNS1 is on the minus strand). VCF-style: chr2-217847790-C-T. GRCh37 (hg19) VCF-style: chr2-218712513-C-T.
Other names: c.2352G>A, p.Leu784= (NM_001308022.2, NM_001308023.2, NM_022648.7).
Identifiers: ClinVar variation 3044835 (VCV003044835.2), dbSNP rs200412682, ClinGen allele CA2100162.

ClinVar aggregate classification (germline): Benign (0 of 4 stars; one submission).

Conditions:
TNS1-related disorder. Also called: TNS1-related condition.

Allele frequency attached by ClinVar (database versions not stated): TOPMed 0.00036; gnomAD 0.00148; gnomAD exomes 0.00258; ExAC 0.00585; 1000 Genomes Project 30x 0.01015; 1000 Genomes Project 0.01098.
gnomAD v4.1: 4,016 of 1,604,992 alleles (0.25%); highest among the groups gnomAD compares: South Asian, 4.1%; 114 homozygotes.

Submission:

PreventionGenetics, part of Exact Sciences
Classification: Benign for TNS1-related condition. Last evaluated: 2019-02-22. Review status: no assertion criteria provided. Collection method: clinical testing. Allele origin: germline.
Comment: This variant is classified as benign based on ACMG/AMP sequence variant interpretation guidelines (Richards et al. 2015 PMID: 25741868, with internal and published modifications).